The following is an entry in ClinVar:

ClinVar aggregate classification (germline): Likely benign (0 of 4 stars; one submission).

Conditions:
PLXNA1-related disorder. Also called: PLXNA1-related condition.

gnomAD v4.1: 9 of 1,613,704 alleles (0.00056%); highest among the groups gnomAD compares: Admixed American, 0.012%; no homozygotes.

Submission:

PreventionGenetics, part of Exact Sciences
Classification: Likely benign for PLXNA1-related condition. Last evaluated: 2022-11-11. Review status: no assertion criteria provided. Collection method: clinical testing. Allele origin: germline.
Comment: This variant is classified as likely benign based on ACMG/AMP sequence variant interpretation guidelines (Richards et al. 2015 PMID: 25741868, with internal and published modifications).

NM_032242.4(PLXNA1):c.4392G>A (p.Leu1464=)

Gene: PLXNA1 (plexin A1; plus strand). Cytogenetic location: 3q21.3.
Variant type: single nucleotide variant.
Coding change: c.4392G>A on transcript NM_032242.4 (MANE Select); coding-DNA position 4392, G replaced by A.
Protein change: p.Leu1464=; no amino-acid change (leucine 1464 retained).
Molecular consequence: synonymous variant.
Genome position (GRCh38, 1-based): chr3:127,027,969, G>A. VCF-style: chr3-127027969-G-A. GRCh37 (hg19) VCF-style: chr3-126746812-G-A.
Identifiers: ClinVar variation 3353289 (VCV003353289.1).
Genomic context (GRCh38, chr3:127,027,969, plus strand): 5'-TGGCTGCAGCCTCATGCCGCCACCCCCGCAGGAGTGCGCTGGGGAGCCGCTGTTCATGCT[G>A]TACTGCGCCATCAAGCAGCAGATGGAGAAGGGCCCCATTGACGCCATCACGGGTGAGGCA-3'
Protein context (NP_115618.3, residues 1454-1474): KECAGEPLFM[Leu1464=]YCAIKQQMEK